The following is an entry in ClinVar:

NM_001267550.2(TTN):c.2879_2891del (p.Val960fs)

Gene: TTN (titin; minus strand). Cytogenetic location: 2q31.2.
Variant type: Deletion.
Coding change: c.2879_2891del on transcript NM_001267550.2 (MANE Select); coding-DNA positions 2879 to 2891, 13 bases deleted (TCACCTTGGAGTG).
Protein change: p.Val960fs; shifts the reading frame from valine 960.
Molecular consequence: frameshift variant.
Genome position (GRCh38, 1-based): chr2:178,783,015-178,783,027, CACTCCAAGGTGA deleted on the plus strand (TCACCTTGGAGTG on the coding strand, the reverse complement: TTN is on the minus strand); deleting any 13 consecutive bases within chr2:178,783,015-178,783,029 gives the same sequence; the c. name uses the placement nearest the transcript's 3' end. VCF-style (leftmost placement, unchanged base first): chr2-178783014-GCACTCCAAGGTGA-G. GRCh37 (hg19) VCF-style: chr2-179647741-GCACTCCAAGGTGA-G.
Other names: c.2879_2891del, p.Val960fs (NM_001256850.1, NM_133378.4, NM_133379.5); c.2741_2753del, p.Val914fs (NM_003319.4, NM_133432.3, NM_133437.4); short protein forms V914fs, V960fs.
Identifiers: ClinVar variation 3754453 (VCV003754453.2).

ClinVar aggregate classification (germline): Likely pathogenic (1 of 4 stars; one submission).

Conditions:
Autosomal recessive limb-girdle muscular dystrophy type 2J (LGMDR10). Also called: Limb-girdle muscular dystrophy, type 2J; MUSCULAR DYSTROPHY, LIMB-GIRDLE, AUTOSOMAL RECESSIVE 10. Identifiers: Orphanet 140922, MedGen C1837342, MONDO:0012127, OMIM 608807.
Dilated cardiomyopathy 1G (CMD1G). Identifiers: Orphanet 154, MedGen C1858763, MONDO:0011400, OMIM 604145.

Submission:

Labcorp Genetics (formerly Invitae), Labcorp
Classification: Likely pathogenic for Dilated cardiomyopathy 1G; Autosomal recessive limb-girdle muscular dystrophy type 2J. Last evaluated: 2024-02-06. Review status: criteria provided, single submitter. Criteria: Invitae Variant Classification Sherloc (09022015). Collection method: clinical testing. Allele origin: germline.
Comment: This sequence change creates a premature translational stop signal (p.Val960Alafs*11) in the TTN gene. While this is not anticipated to result in nonsense mediated decay, it is expected to create a truncated TTN protein. This variant is not present in population databases (gnomAD no frequency). This variant has not been reported in the literature in individuals affected with TTN-related conditions. This variant is located in the Z band of TTN (PMID: 25589632). Truncating variants in this region have been reported in individuals affected with autosomal recessive centronuclear myopathy (PMID: 33449170, Invitae internal data). Truncating variants in this region have also been identified in individuals affected with autosomal dominant dilated cardiomyopathy and/or cardio-related conditions (PMID: 27869827, 32964742, Invitae internal data). In summary, the currently available evidence indicates that the variant is pathogenic, but additional data are needed to prove that conclusively. Therefore, this variant has been classified as Likely Pathogenic.

Literature cited by the submitters: PubMed 25589632; PubMed 33449170; PubMed 27869827; PubMed 32964742.